The following is an entry in ClinVar:

NM_002528.7(NTHL1):c.482A>G (p.Asp161Gly)

Gene: NTHL1 (nth like DNA glycosylase 1; minus strand). Cytogenetic location: 16p13.3.
Variant type: single nucleotide variant.
Coding change: c.482A>G on transcript NM_002528.7 (MANE Select); coding-DNA position 482, A replaced by G.
Protein change: p.Asp161Gly; replaces aspartic acid 161 with glycine.
Molecular consequence: missense variant. On other transcripts: intron variant (1).
Genome position (GRCh38, 1-based): chr16:2,044,673, T>C on the plus strand (A>G on the coding strand, the complement: NTHL1 is on the minus strand). VCF-style: chr16-2044673-T-C. GRCh37 (hg19) VCF-style: chr16-2094674-T-C.
Other names: c.152A>G, p.Asp51Gly (NM_001318194.2); c.355-947A>G (NM_001318193.2); short protein forms D51G, D161G.
Identifiers: ClinVar variation 1745141 (VCV001745141.8), dbSNP rs1567369997, ClinGen allele CA394294178.
Genomic context (GRCh38, chr16:2,044,673, plus strand): 5'-CCACAGGCAGGGCTCACCCTCCAGAAACCGACGGGGTAGATGAGCTTGCCCAGCGTGGCA[T>C]CATCTGTCTGCAGGATGCTGTCCACCGTCAGGCCCCGCGCCCGCAGTCGCTGCATGGCGC-3'
Protein context (NP_002519.2, residues 151-171): LTVDSILQTD[Asp161Gly]ATLGKLIYPV

ClinVar aggregate classification (germline): Uncertain significance. Review status: criteria provided, multiple submitters, no conflicts (2 of 4 stars). 2 submissions from 2 submitters: Uncertain significance (2). Last evaluated 2025-11-05.

Conditions:
Hereditary cancer-predisposing syndrome. Also called: Hereditary Cancer Syndrome; Neoplastic Syndromes, Hereditary; Tumor predisposition; Hereditary neoplastic syndrome. Identifiers: Orphanet 140162, MedGen C0027672, MeSH D009386, MONDO:0015356.

Submissions (2):

Labcorp Genetics (formerly Invitae), Labcorp
Classification: Uncertain significance. Last evaluated: 2025-11-05. Review status: criteria provided, single submitter. Criteria: Invitae Variant Classification Sherloc (09022015). Collection method: clinical testing. Allele origin: germline.
Comment: This sequence change replaces aspartic acid, which is acidic and polar, with glycine, which is neutral and non-polar, at codon 169 of the NTHL1 protein (p.Asp169Gly). This variant is not present in population databases (gnomAD no frequency). This variant has not been reported in the literature in individuals affected with NTHL1-related conditions. ClinVar contains an entry for this variant (Variation ID: 1745141). An algorithm developed to predict the effect of missense changes on protein structure and function (PolyPhen-2) suggests that this variant is likely to be disruptive. In summary, the available evidence is currently insufficient to determine the role of this variant in disease. Therefore, it has been classified as a Variant of Uncertain Significance.

Ambry Genetics
Classification: Uncertain significance for Hereditary cancer-predisposing syndrome. Last evaluated: 2025-05-16. Review status: criteria provided, single submitter. Criteria: Ambry Variant Classification Scheme 2023. Collection method: clinical testing. Allele origin: germline.
Comment: The p.D169G variant (also known as c.506A>G), located in coding exon 3 of the NTHL1 gene, results from an A to G substitution at nucleotide position 506. The aspartic acid at codon 169 is replaced by glycine, an amino acid with similar properties. This amino acid position is well conserved in available vertebrate species. In addition, the in silico prediction for this alteration is inconclusive. Since supporting evidence is limited at this time, the clinical significance of this alteration remains unclear.